The following is an entry in ClinVar:

NM_000245.4(MET):c.1496A>C (p.Asn499Thr)

Gene: MET (MET proto-oncogene, receptor tyrosine kinase; plus strand). Cytogenetic location: 7q31.2.
Variant type: single nucleotide variant.
Coding change: c.1496A>C on transcript NM_000245.4 (MANE Select); coding-DNA position 1496, A replaced by C.
Protein change: p.Asn499Thr; replaces asparagine 499 with threonine.
Molecular consequence: missense variant.
Genome position (GRCh38, 1-based): chr7:116,740,053, A>C. VCF-style: chr7-116740053-A-C. GRCh37 (hg19) VCF-style: chr7-116380107-A-C.
Other names: c.1496A>C, p.Asn499Thr (NM_001127500.3, NM_001324401.3); c.206A>C, p.Asn69Thr (NM_001324402.2); short protein forms N499T, N69T.
Identifiers: ClinVar variation 454190 (VCV000454190.13), dbSNP rs1253878709, ClinGen allele CA368974255.

ClinVar aggregate classification (germline): Conflicting classifications of pathogenicity. Review status: criteria provided, conflicting classifications (1 of 4 stars). 2 submissions from 2 submitters: Uncertain significance (1); Likely benign (1). Last evaluated 2026-07-30.

Conditions:
Renal cell carcinoma. Identifiers: Orphanet 217071, MedGen C0007134, MeSH D002292, MONDO:0005086, HP:0005584.
Hereditary cancer-predisposing syndrome. Also called: Neoplastic Syndromes, Hereditary; Hereditary neoplastic syndrome; Hereditary Cancer Syndrome; Tumor predisposition. Identifiers: Orphanet 140162, MedGen C0027672, MeSH D009386, MONDO:0015356.

gnomAD v4.1: 2 of 1,614,160 alleles (0.00012%); highest among the groups gnomAD compares: Admixed American, 0.0033%; no homozygotes.

Submissions (2):

Ambry Genetics
Classification: Likely benign for Hereditary cancer-predisposing syndrome. Last evaluated: 2026-07-30. Review status: criteria provided, single submitter. Criteria: Ambry Variant Classification Scheme 2023. Collection method: clinical testing. Allele origin: germline.

Labcorp Genetics (formerly Invitae), Labcorp
Classification: Uncertain significance for Renal cell carcinoma. Last evaluated: 2017-06-26. Review status: criteria provided, single submitter. Criteria: Invitae Variant Classification Sherloc (09022015). Collection method: clinical testing. Allele origin: germline.
Comment: In summary, the available evidence is currently insufficient to determine the role of this variant in disease. Therefore, it has been classified as a Variant of Uncertain Significance. Algorithms developed to predict the effect of missense changes on protein structure and function (SIFT, PolyPhen-2, Align-GVGD) all suggest that this variant is likely to be tolerated, but these predictions have not been confirmed by published functional studies and their clinical significance is uncertain. This variant has not been reported in the literature in individuals with MET-related disease. This variant is not present in population databases (ExAC no frequency). This sequence change replaces asparagine with threonine at codon 499 of the MET protein (p.Asn499Thr). The asparagine residue is moderately conserved and there is a small physicochemical difference between asparagine and threonine.